The following is an entry in ClinVar:

NM_032119.4(ADGRV1):c.10260C>T (p.Phe3420=)

Gene: ADGRV1 (adhesion G protein-coupled receptor V1; plus strand). Cytogenetic location: 5q14.3.
Variant type: single nucleotide variant.
Coding change: c.10260C>T on transcript NM_032119.4 (MANE Select); coding-DNA position 10260, C replaced by T.
Protein change: p.Phe3420=; no amino-acid change (phenylalanine 3420 retained).
Molecular consequence: synonymous variant. On other transcripts: non-coding transcript variant (1).
Genome position (GRCh38, 1-based): chr5:90,728,767, C>T. VCF-style: chr5-90728767-C-T. GRCh37 (hg19) VCF-style: chr5-90024584-C-T.
Identifiers: ClinVar variation 46246 (VCV000046246.52), dbSNP rs113938044, ClinGen allele CA137987.

ClinVar aggregate classification (germline): Conflicting classifications of pathogenicity. Review status: criteria provided, conflicting classifications (1 of 4 stars). 10 submissions from 10 submitters: Uncertain significance (2); Benign (1); Likely benign (4). 3 of the submissions do not count toward it. Last evaluated 2026-05-01.

Conditions:
Usher syndrome type 2C. Also called: Usher syndrome, type 2B; USHER SYNDROME, TYPE IIC. Identifiers: Orphanet 231178, Orphanet 886, MedGen C2931213, MONDO:0011558, OMIM 605472.

Allele frequency attached by ClinVar (database versions not stated): 1000 Genomes Project 0.00080; 1000 Genomes Project 30x 0.00109; gnomAD 0.00140 and 0.00143; gnomAD exomes 0.00148 and 0.00190; ExAC 0.00151; TOPMed 0.00165; ESP Exome Variant Server 0.00212.
gnomAD v4.1: 2,988 of 1,613,966 alleles (0.19%); highest among the groups gnomAD compares: Middle Eastern, 0.81%; 8 homozygotes.

Submissions (10):

CeGaT Center for Human Genetics Tuebingen
Classification: Likely benign. Last evaluated: 2026-05-01. Review status: criteria provided, single submitter. Criteria: CeGaT Center For Human Genetics Tuebingen Variant Classification Criteria Version 2. Collection method: clinical testing. Allele origin: germline. Affected: yes. Observed: 4 variant alleles.
Comment: ADGRV1: BP4, BP7

Labcorp Genetics (formerly Invitae), Labcorp
Classification: Likely benign. Last evaluated: 2026-02-01. Review status: criteria provided, single submitter. Criteria: Invitae Variant Classification Sherloc (09022015). Collection method: clinical testing. Allele origin: germline.

Blueprint Genetics
Classification: Likely benign. Last evaluated: 2024-11-25. Review status: criteria provided, single submitter. Criteria: ACMG Guidelines, 2015. Collection method: clinical testing. Allele origin: germline.

GeneDx
Classification: Benign. Last evaluated: 2019-04-09. Review status: criteria provided, single submitter. Criteria: GeneDx Variant Classification Process June 2021. Collection method: clinical testing. Allele origin: germline. Affected: yes.
Comment: This variant is associated with the following publications: (PMID: 22135276)

Illumina Laboratory Services, Illumina
Classification: Uncertain significance for Usher syndrome type 2C. Last evaluated: 2018-01-13. Review status: criteria provided, single submitter. Criteria: ICSL Variant Classification Criteria 13 December 2019. Collection method: clinical testing. Allele origin: germline.

Laboratory for Molecular Medicine, Mass General Brigham Personalized Medicine
Classification: Likely benign. Last evaluated: 2017-03-02. Review status: criteria provided, single submitter. Criteria: LMM Criteria. Collection method: clinical testing. Allele origin: germline. Observed: 6 variant alleles.
Comment: p.Phe3420Phe in exon 49 of GPR98: This variant is not expected to have clinical significance because it does not alter an amino acid residue, is not located wit hin the splice consensus sequence, has been identified in 0.3% (27/10150) of Ash kenazi Jewish chromosomes, 0.2% (229/126674) European chromosomes, and 0.2% (57/ 34414) Latino chromosomes by the Genome Aggregation Database (dbSNP rs113938044) and is reported as benign in one publication (Le Quesne 2012).

Eurofins Ntd Llc (ga)
Classification: Uncertain significance. Last evaluated: 2016-11-04. Review status: criteria provided, single submitter. Criteria: EGL Classification Definitions 2015. Collection method: clinical testing. Allele origin: germline. Observed: 5 variant alleles, 5 heterozygotes.

Clinical Genetics DNA and cytogenetics Diagnostics Lab, Erasmus MC, Erasmus Medical Center
Classification: Likely benign. Review status: no assertion criteria provided. Collection method: clinical testing. Allele origin: germline. Affected: yes. Study: VKGL Data-share Consensus. Not counted in ClinVar's aggregate classification.

Clinical Genetics, Academic Medical Center
Classification: Benign. Review status: no assertion criteria provided. Collection method: clinical testing. Allele origin: germline. Affected: yes. Study: VKGL Data-share Consensus. Not counted in ClinVar's aggregate classification.

Genome Diagnostics Laboratory, University Medical Center Utrecht
Classification: Likely benign. Review status: no assertion criteria provided. Collection method: clinical testing. Allele origin: germline. Affected: yes. Study: VKGL Data-share Consensus. Not counted in ClinVar's aggregate classification.

Literature cited by the submitters: PubMed 22135276 (cited by Laboratory for Molecular Medicine, Mass General Brigham Personalized Medicine).